The following is an entry in ClinVar:

ClinVar aggregate classification (germline): Uncertain significance (1 of 4 stars; one submission).

Conditions:
Long QT syndrome (LQTS). Identifiers: MedGen C0023976, MeSH D008133, MONDO:0002442. Disease mechanism: loss of function. Inheritance: Various modes of inheritance.

Submission:

Labcorp Genetics (formerly Invitae), Labcorp
Classification: Uncertain significance for Long QT syndrome. Last evaluated: 2023-03-18. Review status: criteria provided, single submitter. Criteria: Invitae Variant Classification Sherloc (09022015). Collection method: clinical testing. Allele origin: germline.
Comment: In summary, the available evidence is currently insufficient to determine the role of this variant in disease. Therefore, it has been classified as a Variant of Uncertain Significance. An algorithm developed to predict the effect of missense changes on protein structure and function (PolyPhen-2) suggests that this variant is likely to be disruptive. This variant has not been reported in the literature in individuals affected with CAV3-related conditions. This variant is not present in population databases (gnomAD no frequency). This sequence change replaces aspartic acid, which is acidic and polar, with histidine, which is basic and polar, at codon 35 of the CAV3 protein (p.Asp35His).

NM_033337.3(CAV3):c.103G>C (p.Asp35His)

Gene: CAV3 (caveolin 3; plus strand). Cytogenetic location: 3p25.3.
Variant type: single nucleotide variant.
Coding change: c.103G>C on transcript NM_033337.3 (MANE Select); coding-DNA position 103, G replaced by C.
Protein change: p.Asp35His; replaces aspartic acid 35 with histidine.
Molecular consequence: missense variant.
Genome position (GRCh38, 1-based): chr3:8,733,979, G>C. VCF-style: chr3-8733979-G-C. GRCh37 (hg19) VCF-style: chr3-8775665-G-C.
Other names: c.103G>C, p.Asp35His (NM_001234.5); short protein forms D35H.
Identifiers: ClinVar variation 2847173 (VCV002847173.3), dbSNP rs2470043989, ClinGen allele CA351661601.